The following is an entry in ClinVar:

NM_002427.4(MMP13):c.472G>A (p.Asp158Asn)

Gene: MMP13 (matrix metallopeptidase 13; minus strand). Cytogenetic location: 11q22.2.
Variant type: single nucleotide variant.
Coding change: c.472G>A on transcript NM_002427.4 (MANE Select); coding-DNA position 472, G replaced by A.
Protein change: p.Asp158Asn; replaces aspartic acid 158 with asparagine.
Molecular consequence: missense variant.
Genome position (GRCh38, 1-based): chr11:102,954,497, C>T on the plus strand (G>A on the coding strand, the complement: MMP13 is on the minus strand). VCF-style: chr11-102954497-C-T. GRCh37 (hg19) VCF-style: chr11-102825226-C-T.
Other names: short protein forms D158N.
Identifiers: ClinVar variation 877737 (VCV000877737.12), dbSNP rs181426884, ClinGen allele CA6251979.

ClinVar aggregate classification (germline): Benign/Likely benign. Review status: criteria provided, multiple submitters, no conflicts (2 of 4 stars). 3 submissions from 2 submitters: Benign (2); Likely benign (1). Last evaluated 2025-12-15.

Conditions:
Metaphyseal anadysplasia. Also called: Early-onset regressive form of metaphyseal dysplasia. Identifiers: Orphanet 1040, MedGen C0432226, MONDO:0015177.
Spondyloepimetaphyseal dysplasia, Missouri type. Identifiers: Orphanet 1040, Orphanet 93356, MedGen C1865832, MONDO:0011198, OMIM 602111.

Allele frequency attached by ClinVar (database versions not stated): ESP Exome Variant Server 0.00008; gnomAD 0.00011 and 0.00060; TOPMed 0.00025; gnomAD exomes 0.00085 and 0.00180; ExAC 0.00203; 1000 Genomes Project 30x 0.00390; 1000 Genomes Project 0.00399.

Submissions (3):

Labcorp Genetics (formerly Invitae), Labcorp
Classification: Benign. Last evaluated: 2025-12-15. Review status: criteria provided, single submitter. Criteria: Invitae Variant Classification Sherloc (09022015). Collection method: clinical testing. Allele origin: germline.

Illumina Laboratory Services, Illumina
Classification: Benign for Metaphyseal anadysplasia. Last evaluated: 2018-01-12. Review status: criteria provided, single submitter. Criteria: ICSL Variant Classification Criteria 13 December 2019. Collection method: clinical testing. Allele origin: germline.
Comment: This variant was observed in the ICSL laboratory as part of a predisposition screen in an ostensibly healthy population. It had not been previously curated by ICSL or reported in the Human Gene Mutation Database (HGMD: prior to June 1st, 2018), and was therefore a candidate for classification through an automated scoring system. Utilizing variant allele frequency, disease prevalence and penetrance estimates, and inheritance mode, an automated score was calculated to assess if this variant is too frequent to cause the disease. Based on the score and internal cut-off values, a variant classified as benign is not then subjected to further curation. The score for this variant resulted in a classification of benign for this disease.

Illumina Laboratory Services, Illumina
Classification: Likely benign for Spondyloepimetaphyseal dysplasia, Missouri type. Last evaluated: 2018-01-12. Review status: criteria provided, single submitter. Criteria: ICSL Variant Classification Criteria 13 December 2019. Collection method: clinical testing. Allele origin: germline.
Comment: This variant was observed in the ICSL laboratory as part of a predisposition screen in an ostensibly healthy population. It had not been previously curated by ICSL or reported in the Human Gene Mutation Database (HGMD: prior to June 1st, 2018), and was therefore a candidate for classification through an automated scoring system. Utilizing variant allele frequency, disease prevalence and penetrance estimates, and inheritance mode, an automated score was calculated to assess if this variant is too frequent to cause the disease. Based on the score and internal cut-off values, a variant classified as likely benign is not then subjected to further curation. The score for this variant resulted in a classification of likely benign for this disease.